The following is an entry in ClinVar:

ClinVar aggregate classification (germline): Uncertain significance (1 of 4 stars; one submission).

Allele frequency attached by ClinVar (database versions not stated): gnomAD 0.00001; TOPMed 0.00001.
gnomAD v4.1: 10 of 1,613,890 alleles (0.00062%); highest among the groups gnomAD compares: Non-Finnish European, 0.00085%; no homozygotes.

Submission:

GeneDx
Classification: Uncertain significance. Last evaluated: 2024-04-15. Review status: criteria provided, single submitter. Criteria: GeneDx Variant Classification Process June 2021. Collection method: clinical testing. Allele origin: germline. Affected: yes.
Comment: Not observed at significant frequency in large population cohorts (gnomAD); In silico analysis indicates that this missense variant does not alter protein structure/function; Has not been previously published as pathogenic or benign to our knowledge

NM_017827.4(SARS2):c.56G>A (p.Arg19Gln)

Genes: SARS2 (seryl-tRNA synthetase 2, mitochondrial; minus strand), LOC130064387 (ATAC-STARR-seq lymphoblastoid active region 14604; plus strand). Cytogenetic location: 19q13.2.
Variant type: single nucleotide variant.
Coding change: c.56G>A on transcript NM_017827.4 (MANE Select); coding-DNA position 56, G replaced by A.
Protein change: p.Arg19Gln; replaces arginine 19 with glutamine.
Molecular consequence: missense variant.
Genome position (GRCh38, 1-based): chr19:38,930,681, C>T on the plus strand (G>A on the coding strand, the complement: SARS2 is on the minus strand). VCF-style: chr19-38930681-C-T. GRCh37 (hg19) VCF-style: chr19-39421321-C-T.
Other names: c.56G>A, p.Arg19Gln (NM_001145901.2); short protein forms R19Q.
Identifiers: ClinVar variation 3253195 (VCV003253195.1), dbSNP rs1974726073.